The following is an entry in ClinVar:

ClinVar aggregate classification (germline): Pathogenic (1 of 4 stars; one submission).

Conditions:
Familial thoracic aortic aneurysm and aortic dissection (TAAD). Also called: Thoracic aortic aneurysms and dissections. Identifiers: Orphanet 91387, MedGen C4707243, MONDO:0019625.
Marfan syndrome (MFS). Also called: FBN1-Related Marfan Syndrome; Marfan syndrome type 1; Marfan's syndrome; Marfan syndrome, classic; MARFAN SYNDROME, TYPE I. Identifiers: Orphanet 284963, Orphanet 558, MedGen C0024796, MONDO:0007947, OMIM 154700.

Submission:

Labcorp Genetics (formerly Invitae), Labcorp
Classification: Pathogenic for Marfan syndrome; Familial thoracic aortic aneurysm and aortic dissection. Last evaluated: 2018-11-08. Review status: criteria provided, single submitter. Criteria: Invitae Variant Classification Sherloc (09022015). Collection method: clinical testing. Allele origin: germline.
Comment: For these reasons, this variant has been classified as Pathogenic. Loss-of-function variants in FBN1 are known to be pathogenic (PMID: 17657824, 19293843). This variant has not been reported in the literature in individuals with FBN1-related disease. This variant is an out-of-frame deletion of the genomic region encompassing exon 64 of the FBN1 gene. This is expected to create a premature translational stop signal and result in an absent or disrupted protein product.

Literature cited by the submitters: PubMed 17657824; PubMed 19293843.

NC_000015.10:g.(?_48415161)_(48415777_?)del

Gene: FBN1 (fibrillin 1; minus strand). Cytogenetic location: 15q21.1.
Variant type: Deletion.
Identifiers: ClinVar variation 663422 (VCV000663422.5).